The following is an entry in ClinVar:

ClinVar aggregate classification (germline): Uncertain significance (1 of 4 stars; one submission).

Submission:

Labcorp Genetics (formerly Invitae), Labcorp
Classification: Uncertain significance. Last evaluated: 2022-11-30. Review status: criteria provided, single submitter. Criteria: Invitae Variant Classification Sherloc (09022015). Collection method: clinical testing. Allele origin: germline.
Comment: This sequence change replaces cysteine, which is neutral and slightly polar, with tryptophan, which is neutral and slightly polar, at codon 3104 of the VCAN protein (p.Cys3104Trp). This variant is not present in population databases (gnomAD no frequency). In summary, the available evidence is currently insufficient to determine the role of this variant in disease. Therefore, it has been classified as a Variant of Uncertain Significance. Algorithms developed to predict the effect of missense changes on protein structure and function (SIFT, PolyPhen-2, Align-GVGD) all suggest that this variant is likely to be disruptive. This variant has not been reported in the literature in individuals affected with VCAN-related conditions.

NM_004385.5(VCAN):c.9312T>G (p.Cys3104Trp)

Genes: VCAN (versican; plus strand), VCAN-AS1 (VCAN antisense RNA 1; minus strand). Cytogenetic location: 5q14.3.
Variant type: single nucleotide variant.
Coding change: c.9312T>G on transcript NM_004385.5 (MANE Select); coding-DNA position 9312, T replaced by G.
Protein change: p.Cys3104Trp; replaces cysteine 3104 with tryptophan.
Molecular consequence: missense variant.
Genome position (GRCh38, 1-based): chr5:83,545,583, T>G. VCF-style: chr5-83545583-T-G. GRCh37 (hg19) VCF-style: chr5-82841402-T-G.
Other names: c.1089T>G, p.Cys363Trp (NM_001126336.3); c.6351T>G, p.Cys2117Trp (NM_001164097.2); c.4050T>G, p.Cys1350Trp (NM_001164098.2); short protein forms C3104W, C2117W, C1350W, C363W.
Identifiers: ClinVar variation 2816852 (VCV002816852.3), dbSNP rs370053498, ClinGen allele CA360296362.